The following is an entry in ClinVar:

NM_006361.6(HOXB13):c.352G>T (p.Glu118Ter)

Gene: HOXB13 (homeobox B13; minus strand). Cytogenetic location: 17q21.32.
Variant type: single nucleotide variant.
Coding change: c.352G>T on transcript NM_006361.6 (MANE Select); coding-DNA position 352, G replaced by T.
Protein change: p.Glu118Ter; replaces glutamic acid 118 with a stop codon.
Molecular consequence: nonsense.
Genome position (GRCh38, 1-based): chr17:48,728,242, C>A on the plus strand (G>T on the coding strand, the complement: HOXB13 is on the minus strand). VCF-style: chr17-48728242-C-A. GRCh37 (hg19) VCF-style: chr17-46805604-C-A.
Other names: short protein forms E118*.
Identifiers: ClinVar variation 2115494 (VCV002115494.4), dbSNP rs1369403058, ClinGen allele CA400107644.
Genomic context (GRCh38, chr17:48,728,242, plus strand): 5'-GGTAGGTTCCCGGATATCCCGGATAGAAGGCAAACTCAGTGGGGCGGCTGGGGTACTCTT[C>A]CCCGGCCGTGGGAGTCTCCGCGGGGTACGCGGCCAGGGTGGCTGCCTGGGCACAGGGTTT-3'

ClinVar aggregate classification (germline): Uncertain significance (1 of 4 stars; one submission).

Submission:

Labcorp Genetics (formerly Invitae), Labcorp
Classification: Uncertain significance. Last evaluated: 2022-03-21. Review status: criteria provided, single submitter. Criteria: Invitae Variant Classification Sherloc (09022015). Collection method: clinical testing. Allele origin: germline.
Comment: In summary, the available evidence is currently insufficient to determine the role of this variant in disease. Therefore, it has been classified as a Variant of Uncertain Significance. Algorithms developed to predict the effect of sequence changes on RNA splicing suggest that this variant may create or strengthen a splice site. This variant has not been reported in the literature in individuals affected with HOXB13-related conditions. This variant is not present in population databases (gnomAD no frequency). This sequence change creates a premature translational stop signal (p.Glu118*) in the HOXB13 gene. It is expected to result in an absent or disrupted protein product. However, the current clinical and genetic evidence is not sufficient to establish whether loss-of-function variants in HOXB13 cause disease.